The following is an entry in ClinVar:

NM_000540.3(RYR1):c.4633_4634del (p.Asn1544_Thr1545insTer)

Gene: RYR1 (ryanodine receptor 1; plus strand). Cytogenetic location: 19q13.2.
Variant type: Microsatellite.
Coding change: c.4633_4634del on transcript NM_000540.3 (MANE Select); coding-DNA positions 4633 to 4634, 2 bases deleted (AC; older notation c.4633_4634delAC).
Protein change: p.Asn1544_Thr1545insTer.
Molecular consequence: nonsense.
Genome position (GRCh38, 1-based): chr19:38,483,039-38,483,040, AC deleted; deleting any 2 consecutive bases within chr19:38,483,037-38,483,040 gives the same sequence; the c. name uses the placement nearest the transcript's 3' end. VCF-style (leftmost placement, unchanged base first): chr19-38483036-AAC-A. GRCh37 (hg19) VCF-style: chr19-38973676-AAC-A.
Other names: c.4633_4634del, p.Asn1544_Thr1545insTer (NM_001042723.2).
Identifiers: ClinVar variation 3387719 (VCV003387719.1).
Genomic context (GRCh38, chr19:38,483,036, plus strand): 5'-CCTCCCTCCAGCCCACCCGTTTGCTCACCTCGTCCTCTTCTCCTCTGCCAGGTGGAACCC[AAC>A]ACTAAGCTATTTCCTGCCGTCTTCGTCCTGCCCACCCACCAGAACGTCATCCAGTTTGAG-3'

ClinVar aggregate classification (germline): Uncertain significance (1 of 4 stars; one submission).

Conditions:
Malignant hyperthermia, susceptibility to, 1 (MHS1). Also called: Anesthesia related hyperthermia; Malignant hyperpyrexia; Fulminating hyperpyrexia; Pharmacogenic myopathy; RYR1-Related Malignant Hyperthermia Susceptibility; Malignant hyperthermia suceptibility 1. Identifiers: Orphanet 423, MedGen C2930980, MONDO:0007783, OMIM 145600.

Submission:

All of Us Research Program, National Institutes of Health
Classification: Uncertain significance for Malignant hyperthermia, susceptibility to, 1. Last evaluated: 2024-05-14. Review status: criteria provided, single submitter. Criteria: ACMG Guidelines, 2015. Collection method: clinical testing. Allele origin: germline. Inheritance: Autosomal dominant inheritance. Observed: 1 variant allele, 1 heterozygote.
Comment: This variant deletes 2 nucleotides in exon 32 of the RYR1 gene, creating a frameshift and premature translation stop signal. This variant is expected to result in an absent or non-functional protein product. To our knowledge, this variant has not been reported in individuals affected with RYR1-related disorders in the literature. Loss of RYR1 function due to truncation variants is not an established disease mechanism for autosomal dominant malignant hyperthermia, although it is associated with other phenotype(s). This variant has not been identified in the general population by the Genome Aggregation Database (gnomAD). Due to insufficient evidence, this variant is classified as a Variant of Uncertain Significance for autosomal dominant malignant hyperthermia.

This study involves interpretation of variants in research participants for the purpose of population health screening. Participant phenotype was not available at the time of variant classification. Additional details can be found in publication PMID: 35346344, PMCID: PMC8962531